The following is an entry in ClinVar:

ClinVar aggregate classification (germline): Likely pathogenic (1 of 4 stars; one submission).

Conditions:
Hereditary breast ovarian cancer syndrome. Also called: Hereditary breast and ovarian cancer syndrome (HBOC); Breast and ovarian cancer; Hereditary breast and/or ovarian cancer syndrome; Hereditary breast and ovarian cancer; BRCA1- and BRCA2-Associated Hereditary Breast and Ovarian Cancer; Hereditary breast and ovarian cancer syndrome. Identifiers: Orphanet 145, MedGen C0677776, MeSH D061325, MONDO:0003582. Disease mechanism: loss of function.

Submission:

Labcorp Genetics (formerly Invitae), Labcorp
Classification: Likely pathogenic for Hereditary breast ovarian cancer syndrome. Last evaluated: 2023-03-02. Review status: criteria provided, single submitter. Criteria: Invitae Variant Classification Sherloc (09022015). Collection method: clinical testing. Allele origin: germline.
Comment: This variant results in a copy number gain of the genomic region encompassing exon(s) 4-7 of the BRCA1 gene. While the exact position of this variant cannot be determined from the data, sub-genic copy number gains are generally in tandem (PMID: 25640679). This variant is predicted to be out-of-frame, and may result in an absent or disrupted protein product. Loss-of-function variants in BRCA1 are known to be pathogenic (PMID: 20104584). This variant has not been reported in the literature in individuals affected with BRCA1-related conditions. In summary, the currently available evidence indicates that the variant is pathogenic, but additional data are needed to prove that conclusively. Therefore, this variant has been classified as Likely Pathogenic.

Literature cited by the submitters: PubMed 25640679; PubMed 20104584.

NC_000017.10:g.(?_41251772)_(41258570_?)dup

Gene: BRCA1 (BRCA1 DNA repair associated; minus strand). Cytogenetic location: 17q21.31.
Variant type: Duplication.
Identifiers: ClinVar variation 2425723 (VCV002425723.7).